The following is an entry in ClinVar:

NM_000807.4(GABRA2):c.1341dup (p.Gly448fs)

Gene: GABRA2 (gamma-aminobutyric acid type A receptor subunit alpha2; minus strand). Cytogenetic location: 4p12.
Variant type: Duplication.
Coding change: c.1341dup on transcript NM_000807.4 (MANE Select); coding-DNA position 1341, one base duplicated (A; older notation c.1341dupA).
Protein change: p.Gly448fs; shifts the reading frame from glycine 448.
Molecular consequence: frameshift variant.
Genome position (GRCh38, 1-based): chr4:46,250,323, T duplicated on the plus strand (A on the coding strand, the reverse complement: GABRA2 is on the minus strand). VCF-style (leftmost placement, unchanged base first): chr4-46250322-C-CT. GRCh37 (hg19) VCF-style: chr4-46252339-C-CT.
Other names: c.1341dup, p.Gly448fs (NM_001114175.3, NM_001377146.1, NM_001377147.1 and 4 more transcripts); c.1356dup, p.Gly453fs (NM_001286827.3); c.1521dup, p.Gly508fs (NM_001330690.2, NM_001377144.1, NM_001377145.1); c.1176dup, p.Gly393fs (NM_001377152.1, NM_001377153.1, NM_001377154.1); short protein forms G508fs, G393fs, G453fs, G448fs.
Identifiers: ClinVar variation 4702601 (VCV004702601.1).
Genomic context (GRCh38, chr4:46,250,322, plus strand): 5'-CAAATTTAATGTTGCTATACATCCCAAAGATAACATGGGTCTCAATTCAAGGACTGACCC[C>CT]TAATACAGGTTCTCTGTTTAAATATGTAGCCCAGTAAACTAAATTAAAGGTACCAAACAA-3'

ClinVar aggregate classification (germline): Uncertain significance (1 of 4 stars; one submission).

Submission:

Labcorp Genetics (formerly Invitae), Labcorp
Classification: Uncertain significance. Last evaluated: 2025-10-08. Review status: criteria provided, single submitter. Criteria: Invitae Variant Classification Sherloc (09022015). Collection method: clinical testing. Allele origin: germline.
Comment: This sequence change is expected to alter the c-terminus of the GABRA2 protein (p.Gly508Argfs*7). While this is not anticipated to result in nonsense mediated decay, it is expected to disrupt the last 4 amino acid(s) of the GABRA2 protein and extend the protein by 2 additional amino acid residues. This variant is present in population databases (rs773244370, gnomAD 0.0009%). This variant has not been reported in the literature in individuals affected with GABRA2-related conditions. In summary, the available evidence is currently insufficient to determine the role of this variant in disease. Therefore, it has been classified as a Variant of Uncertain Significance.